The following is an entry in ClinVar:

ClinVar aggregate classification (germline): Uncertain significance (1 of 4 stars; one submission).

Conditions:
DYRK1A-related intellectual disability syndrome (MRD7). Also called: Intellectual developmental disorder, autosomal dominant 7; DYRK1A Syndrome. Identifiers: Orphanet 464306, MedGen C5568143, MONDO:0013578, OMIM 614104.

gnomAD v4.1: 1 of 1,614,102 alleles (0.000062%); highest among the groups gnomAD compares: Non-Finnish European, 0.000085%; no homozygotes.

Submission:

Labcorp Genetics (formerly Invitae), Labcorp
Classification: Uncertain significance for DYRK1A-related intellectual disability syndrome. Last evaluated: 2023-06-16. Review status: criteria provided, single submitter. Criteria: Invitae Variant Classification Sherloc (09022015). Collection method: clinical testing. Allele origin: germline.
Comment: Algorithms developed to predict the effect of missense changes on protein structure and function output the following: SIFT: "Not Available"; PolyPhen-2: "Benign"; Align-GVGD: "Not Available". The alanine amino acid residue is found in multiple mammalian species, which suggests that this missense change does not adversely affect protein function. In summary, the available evidence is currently insufficient to determine the role of this variant in disease. Therefore, it has been classified as a Variant of Uncertain Significance. This variant has not been reported in the literature in individuals affected with DYRK1A-related conditions. This variant is present in population databases (no rsID available, gnomAD 0.0009%). This sequence change replaces threonine, which is neutral and polar, with alanine, which is neutral and non-polar, at codon 588 of the DYRK1A protein (p.Thr588Ala).

NM_001347721.2(DYRK1A):c.1735A>G (p.Thr579Ala)

Gene: DYRK1A (dual specificity tyrosine phosphorylation regulated kinase 1A; plus strand). Cytogenetic location: 21q22.13.
Variant type: single nucleotide variant.
Coding change: c.1735A>G on transcript NM_001347721.2 (MANE Select); coding-DNA position 1735, A replaced by G.
Protein change: p.Thr579Ala; replaces threonine 579 with alanine.
Molecular consequence: missense variant. On other transcripts: 3 prime UTR variant (2).
Genome position (GRCh38, 1-based): chr21:37,512,001, A>G. VCF-style: chr21-37512001-A-G. GRCh37 (hg19) VCF-style: chr21-38884304-A-G.
Other names: c.1735A>G, p.Thr579Ala (NM_001347722.2, NM_130436.2); c.1648A>G, p.Thr550Ala (NM_001347723.2); c.1762A>G, p.Thr588Ala (NM_001396.5); c.*138A>G (NM_101395.2); c.*47A>G (NM_130438.2); short protein forms T579A, T550A, T588A.
Identifiers: ClinVar variation 3004941 (VCV003004941.3), dbSNP rs149948846, ClinGen allele CA409939459.